The following is an entry in ClinVar:

ClinVar aggregate classification (germline): Uncertain significance (1 of 4 stars; one submission).

Submission:

Women's Health and Genetics/Laboratory Corporation of America, LabCorp
Classification: Uncertain significance. Last evaluated: 2025-04-15. Review status: criteria provided, single submitter. Criteria: LabCorp Variant Classification Summary - May 2015. Collection method: clinical testing. Allele origin: germline.
Comment: Variant summary: CHD1 c.4038A>C (p.Lys1346Asn) results in a non-conservative amino acid change in the encoded protein sequence. Three of five in-silico tools predict a benign effect of the variant on protein function. The variant was absent in 250498 control chromosomes. The available data on variant occurrences in the general population are insufficient to allow any conclusion about variant significance. To our knowledge, no occurrence of c.4038A>C in individuals affected with Pilarowski-Bjornsson Syndrome and no experimental evidence demonstrating its impact on protein function have been reported. No submitters have cited clinical-significance assessments for this variant to ClinVar. Based on the evidence outlined above, the variant was classified as uncertain significance.

NM_001270.4(CHD1):c.4038A>C (p.Lys1346Asn)

Gene: CHD1 (chromodomain helicase DNA binding protein 1; minus strand). Cytogenetic location: 5q15.
Variant type: single nucleotide variant.
Coding change: c.4038A>C on transcript NM_001270.4 (MANE Select); coding-DNA position 4038, A replaced by C.
Protein change: p.Lys1346Asn; replaces lysine 1346 with asparagine.
Molecular consequence: missense variant. On other transcripts: non-coding transcript variant (2).
Genome position (GRCh38, 1-based): chr5:98,869,823, T>G on the plus strand (A>C on the coding strand, the complement: CHD1 is on the minus strand). VCF-style: chr5-98869823-T-G. GRCh37 (hg19) VCF-style: chr5-98205527-T-G.
Other names: c.4038A>C, p.Lys1346Asn (NM_001364113.3, NM_001376194.2); short protein forms K1346N.
Identifiers: ClinVar variation 3896271 (VCV003896271.2).
Genomic context (GRCh38, chr5:98,869,823, plus strand): 5'-ATCTTCATCAGACTTCTCTGAAGGCAGAGGAGAAGAATCACTCTTTATTTCCTCTTTCAC[T>G]TTTATAGACTTCATTGCTTTATTCTTCTTAGCTCTTGCTTTTCTCCTCTTTGAACTTCCC-3'
Protein context (NP_001261.2, residues 1336-1356): AKKNKAMKSI[Lys1346Asn]VKEEIKSDSS